The following is an entry in ClinVar:

NM_001267550.2(TTN):c.95363A>G (p.Tyr31788Cys)

Genes: TTN-AS1 (TTN antisense RNA 1; plus strand), TTN (titin; minus strand). Cytogenetic location: 2q31.2.
Variant type: single nucleotide variant.
Coding change: c.95363A>G on transcript NM_001267550.2 (MANE Select); coding-DNA position 95363, A replaced by G.
Protein change: p.Tyr31788Cys; replaces tyrosine 31788 with cysteine.
Molecular consequence: missense variant.
Genome position (GRCh38, 1-based): chr2:178,545,873, T>C on the plus strand (A>G on the coding strand, the complement: TTN is on the minus strand). VCF-style: chr2-178545873-T-C. GRCh37 (hg19) VCF-style: chr2-179410600-T-C.
Other names: c.87659A>G, p.Tyr29220Cys (NM_133378.4); c.90440A>G, p.Tyr30147Cys (NM_001256850.1); c.68168A>G, p.Tyr22723Cys (NM_003319.4); c.68543A>G, p.Tyr22848Cys (NM_133432.3); c.68744A>G, p.Tyr22915Cys (NM_133437.4); short protein forms Y31788C, Y29220C, Y22723C, Y22915C, Y22848C, Y30147C.
Identifiers: ClinVar variation 47557 (VCV000047557.5), dbSNP rs397517761, ClinGen allele CA141341.
Genomic context (GRCh38, chr2:178,545,873, plus strand): 5'-TACTTACTGAATGAGTTTCTGGCTACAATTGGCTCTGATTCAACAGGCACACCAGGGCCA[T>C]ATTTGTTTACTGCCCTCACTCGGAATATGTACTCATTGTTCTTGATGAGCCTGGTAACGA-3'
Protein context (NP_001254479.2, residues 31778-31798): YIFRVRAVNK[Tyr31788Cys]GPGVPVESEP

ClinVar aggregate classification (germline): Uncertain significance (1 of 4 stars; one submission).

Allele frequency attached by ClinVar (database versions not stated): gnomAD exomes below 0.00001.
gnomAD v4.1: 1 of 1,613,862 alleles (0.000062%); highest among the groups gnomAD compares: Non-Finnish European, 0.000085%; no homozygotes.

Submission:

Laboratory for Molecular Medicine, Mass General Brigham Personalized Medicine
Classification: Uncertain significance. Last evaluated: 2012-10-25. Review status: criteria provided, single submitter. Criteria: LMM Criteria. Collection method: clinical testing. Allele origin: germline. Observed: 1 variant allele.
Comment: The Tyr29220Cys variant in TTN has not been reported in the literature nor previ ously identified by our laboratory. Computational analyses (biochemical amino ac id properties, conservation, AlignGVGD, PolyPhen2, and SIFT) do not provide stro ng support for or against an impact to the protein. Additional information is ne eded to fully assess the clinical significance of the Tyr29220Cys variant.